The following is an entry in ClinVar:

NM_004130.4(GYG1):c.878A>G (p.Lys293Arg)

Gene: GYG1 (glycogenin 1; plus strand). Cytogenetic location: 3q24.
Variant type: single nucleotide variant.
Coding change: c.878A>G on transcript NM_004130.4 (MANE Select); coding-DNA position 878, A replaced by G.
Protein change: p.Lys293Arg; replaces lysine 293 with arginine.
Molecular consequence: missense variant. On other transcripts: intron variant (2).
Genome position (GRCh38, 1-based): chr3:149,026,501, A>G. VCF-style: chr3-149026501-A-G. GRCh37 (hg19) VCF-style: chr3-148744288-A-G.
Other names: c.829-259A>G (NM_001184720.2); c.609-259A>G (NM_001184721.2); c.878A>G (NM_004130.3); short protein forms K293R.
Identifiers: ClinVar variation 1479156 (VCV001479156.9), dbSNP rs975170441, ClinGen allele CA85520045.
Genomic context (GRCh38, chr3:149,026,501, plus strand): 5'-ACTGTTTGCAGCTTTCAGACTTGGTCTATACACTGGCTTTCTCTTGTGGCTTCTGTAGAA[A>G]GGTATGCAGAACTTAAAGATTAACCCTAATTACTTTGTTCTCCCAATGTTTTCACTGAGT-3'
Protein context (NP_004121.2, residues 283-303): TLAFSCGFCR[Lys293Arg]EDVSGAISHL

ClinVar aggregate classification (germline): Uncertain significance. Review status: criteria provided, multiple submitters, no conflicts (2 of 4 stars). 2 submissions from 2 submitters: Uncertain significance (2). Last evaluated 2025-01-22.

Conditions:
Inborn genetic diseases. Identifiers: MedGen C0950123, MeSH D030342.
Glycogen storage disease XV (GSD15). Also called: GLYCOGENIN DEFICIENCY; GSD XV. Identifiers: Orphanet 263297, MedGen C3150754, MONDO:0013291, OMIM 613507.
Polyglucosan body myopathy type 2. Identifiers: Orphanet 456369, MedGen C4015452, MONDO:0014526, OMIM 616199.

Allele frequency attached by ClinVar (database versions not stated): gnomAD exomes below 0.00001; gnomAD 0.00001; TOPMed 0.00001.

Submissions (2):

Ambry Genetics
Classification: Uncertain significance for Inborn genetic diseases. Last evaluated: 2025-01-22. Review status: criteria provided, single submitter. Criteria: Ambry Variant Classification Scheme 2023. Collection method: clinical testing. Allele origin: germline.

Labcorp Genetics (formerly Invitae), Labcorp
Classification: Uncertain significance for Polyglucosan body myopathy type 2; Glycogen storage disease XV. Last evaluated: 2022-06-13. Review status: criteria provided, single submitter. Criteria: Invitae Variant Classification Sherloc (09022015). Collection method: clinical testing. Allele origin: germline.
Comment: In summary, the available evidence is currently insufficient to determine the role of this variant in disease. Therefore, it has been classified as a Variant of Uncertain Significance. Algorithms developed to predict the effect of sequence changes on RNA splicing suggest that this variant may disrupt the consensus splice site. Algorithms developed to predict the effect of missense changes on protein structure and function (SIFT, PolyPhen-2, Align-GVGD) all suggest that this variant is likely to be tolerated. This variant has not been reported in the literature in individuals affected with GYG1-related conditions. This variant is not present in population databases (gnomAD no frequency). This sequence change replaces lysine, which is basic and polar, with arginine, which is basic and polar, at codon 293 of the GYG1 protein (p.Lys293Arg).